The following is an entry in ClinVar:

ClinVar aggregate classification (germline): Conflicting classifications of pathogenicity. Review status: criteria provided, conflicting classifications (1 of 4 stars). 4 submissions from 4 submitters: Uncertain significance (1); Benign (1); Likely benign (2). Last evaluated 2026-05-06.

Conditions:
Colorectal cancer, hereditary nonpolyposis, type 7. Identifiers: Orphanet 144, MedGen C1858380, MONDO:0013725, OMIM 614385.

Allele frequency attached by ClinVar (database versions not stated): ExAC 0.00002; gnomAD 0.00003 and 0.00002; TOPMed 0.00002; gnomAD exomes 0.00001.
gnomAD v4.1: 19 of 1,613,762 alleles (0.0012%); highest among the groups gnomAD compares: African/African-American, 0.004%; no homozygotes.

Submissions (4):

Myriad Genetics, Inc.
Classification: Benign for Colorectal cancer, hereditary nonpolyposis, type 7. Last evaluated: 2026-05-06. Review status: criteria provided, single submitter. Criteria: Myriad Autosomal Dominant, Autosomal Recessive and X-Linked Classification Criteria (2023). Collection method: clinical testing. Allele origin: unknown.
Comment: This variant is considered benign. This variant is a silent/synonymous amino acid change and it is not expected to impact splicing.

Labcorp Genetics (formerly Invitae), Labcorp
Classification: Likely benign for Colorectal cancer, hereditary nonpolyposis, type 7. Last evaluated: 2025-02-23. Review status: criteria provided, single submitter. Criteria: Invitae Variant Classification Sherloc (09022015). Collection method: clinical testing. Allele origin: germline.

Ambry Genetics
Classification: Likely benign. Last evaluated: 2021-03-31. Review status: criteria provided, single submitter. Criteria: Ambry Variant Classification Scheme 2023. Collection method: clinical testing. Allele origin: germline.

Illumina Laboratory Services, Illumina
Classification: Uncertain significance for Colorectal cancer, hereditary nonpolyposis, type 7. Last evaluated: 2018-01-13. Review status: criteria provided, single submitter. Criteria: ICSL Variant Classification Criteria 13 December 2019. Collection method: clinical testing. Allele origin: germline.

NM_001040108.2(MLH3):c.3405C>T (p.Ser1135=)

Gene: MLH3 (mutL homolog 3; minus strand). Cytogenetic location: 14q24.3.
Variant type: single nucleotide variant.
Coding change: c.3405C>T on transcript NM_001040108.2 (MANE Select); coding-DNA position 3405, C replaced by T.
Protein change: p.Ser1135=; no amino-acid change (serine 1135 retained).
Molecular consequence: synonymous variant.
Genome position (GRCh38, 1-based): chr14:75,041,675, G>A on the plus strand (C>T on the coding strand, the complement: MLH3 is on the minus strand). VCF-style: chr14-75041675-G-A. GRCh37 (hg19) VCF-style: chr14-75508378-G-A.
Other names: c.3405C>T, p.Ser1135= (NM_014381.3).
Identifiers: ClinVar variation 314376 (VCV000314376.17), dbSNP rs746155226, ClinGen allele CA7275505.